The following is an entry in ClinVar:

NM_016203.4(PRKAG2):c.1688A>G (p.Gln563Arg)

Gene: PRKAG2 (protein kinase AMP-activated non-catalytic subunit gamma 2; minus strand). Cytogenetic location: 7q36.1.
Variant type: single nucleotide variant.
Coding change: c.1688A>G on transcript NM_016203.4 (MANE Select); coding-DNA position 1688, A replaced by G.
Protein change: p.Gln563Arg; replaces glutamine 563 with arginine.
Molecular consequence: missense variant.
Genome position (GRCh38, 1-based): chr7:151,557,223, T>C on the plus strand (A>G on the coding strand, the complement: PRKAG2 is on the minus strand). VCF-style: chr7-151557223-T-C. GRCh37 (hg19) VCF-style: chr7-151254309-T-C.
Other names: c.1556A>G, p.Gln519Arg (NM_001040633.2); c.1313A>G, p.Gln438Arg (NM_001304527.2); c.965A>G, p.Gln322Arg (NM_001304531.2, NM_024429.2); c.1316A>G, p.Gln439Arg (NM_001363698.2); short protein forms Q322R, Q438R, Q439R, Q519R, Q563R.
Identifiers: ClinVar variation 919207 (VCV000919207.5), dbSNP rs1803937738, ClinGen allele CA370070197.
Genomic context (GRCh38, chr7:151,557,223, plus strand): 5'-TTCAAGTTCTCCTCCTAGGGCGTCTACATTCACGGCGGTCACTCCGTTTCTGTCTCCTTT[T>C]GTTTGGCACCTGTCAGTGGATGGAAGATGAAAGTTTCAAAGCTCATGGTAACAGCAGGGT-3'
Protein context (NP_057287.2, residues 553-569): ALILTPAGAK[Gln563Arg]KETETE

ClinVar aggregate classification (germline): Uncertain significance (1 of 4 stars; one submission).

Conditions:
Cardiomyopathy (CMYO). Also called: Cardiomyopathies. Identifiers: Orphanet 167848, MedGen C0878544, MONDO:0004994, HP:0001638. Inheritance: Various modes of inheritance.

Submission:

Color Diagnostics, LLC DBA Color Health
Classification: Uncertain significance for Cardiomyopathy. Last evaluated: 2023-12-05. Review status: criteria provided, single submitter. Criteria: ACMG Guidelines, 2015. Collection method: clinical testing. Allele origin: germline.
Comment: This missense variant replaces glutamine with arginine at codon 563 of the PRKAG2 protein. Computational prediction tools and conservation analyses are inconclusive regarding the impact of this variant on protein function. Computational splicing tools suggest that this variant may not impact RNA splicing. To our knowledge, functional assays have not been performed for this variant nor has this variant been reported in individuals affected with cardiovascular disorders in the literature. This variant has not been identified in the general population by the Genome Aggregation Database (gnomAD). Available evidence is insufficient to determine the role of this variant in disease conclusively. Therefore, this variant is classified as a Variant of Uncertain Significance.